The following is an entry in ClinVar:

NM_182931.3(KMT2E):c.2387C>T (p.Pro796Leu)

Gene: KMT2E (lysine methyltransferase 2E (inactive); plus strand). Cytogenetic location: 7q22.3.
Variant type: single nucleotide variant.
Coding change: c.2387C>T on transcript NM_182931.3 (MANE Select); coding-DNA position 2387, C replaced by T.
Protein change: p.Pro796Leu; replaces proline 796 with leucine.
Molecular consequence: missense variant.
Genome position (GRCh38, 1-based): chr7:105,105,629, C>T. VCF-style: chr7-105105629-C-T. GRCh37 (hg19) VCF-style: chr7-104746076-C-T.
Other names: c.2387C>T, p.Pro796Leu (NM_001410908.1, NM_018682.4); short protein forms P796L.
Identifiers: ClinVar variation 5007123 (VCV005007123.2).
Genomic context (GRCh38, chr7:105,105,629, plus strand): 5'-GTCTCACTTACAGCCCCCATGTATACTCCACTCCTAAGCATTATATTAGATTTACTTCAC[C>T]ATTCCTTTCAGAAAAAAGGAGAAGAAAAGAACCTACTGAAAACATTTCTGGTTCATGCAA-3'
Protein context (NP_891847.1, residues 786-806): TPKHYIRFTS[Pro796Leu]FLSEKRRRKE

ClinVar aggregate classification (germline): Uncertain significance (1 of 4 stars; one submission).

Conditions:
O'Donnell-Luria-Rodan syndrome (ODLURO). Also called: KMT2E-Related Neurodevelopmental Disorder. Identifiers: MedGen C5193138, MONDO:0032793, OMIM 618512.

gnomAD v4.1: 1 of 1,611,558 alleles (0.000062%); highest among the groups gnomAD compares: Non-Finnish European, 0.000085%; no homozygotes.

Submission:

Juno Genomics, Hangzhou Juno Genomics, Inc
Classification: Uncertain significance for O'Donnell-Luria-Rodan syndrome. Review status: criteria provided, single submitter. Criteria: ACMG Guidelines, 2015. Collection method: clinical testing. Allele origin: germline.
Comment: Absent from controls (or at extremely low frequency if recessive) in Genome Aggregation Database.;Multiple lines of computational evidence support a deleterious effect on the gene or gene product.